The following is an entry in ClinVar:

NC_000011.10:g.(?_108364109)_(108365528_?)del

Genes: ATM (ATM serine/threonine kinase; plus strand), C11orf65 (chromosome 11 open reading frame 65; minus strand). Cytogenetic location: 11q22.3.
Variant type: Deletion.
Identifiers: ClinVar variation 660148 (VCV000660148.1).

ClinVar aggregate classification (germline): Pathogenic (1 of 4 stars; one submission).

Conditions:
Ataxia-telangiectasia syndrome (AT). Also called: Ataxia-telangiectasia, complementation group D; AT, COMPLEMENTATION GROUP C; Ataxia telangiectasia (A-T); Cerebello-oculocutaneous telangiectasia; Immunodeficiency with ataxia telangiectasia; ATAXIA-TELANGIECTASIA, COMPLEMENTATION GROUP A. Identifiers: Orphanet 100, MedGen C0004135, MONDO:0008840, OMIM 208900.

Submission:

Labcorp Genetics (formerly Invitae), Labcorp
Classification: Pathogenic for Ataxia-telangiectasia syndrome. Last evaluated: 2018-08-02. Review status: criteria provided, single submitter. Criteria: Invitae Variant Classification Sherloc (09022015). Collection method: clinical testing. Allele origin: germline.
Comment: This variant is a gross deletion of the genomic region encompassing exons 62-63 of the ATM gene. The 5' boundary is likely confined to intron 61. The 3' end of this event is unknown as it extends through the termination codon beyond the assayed region for this gene and may encompass additional genes. While this is not anticipated to result in nonsense mediated decay, it is expected to delete the last 106 amino acids of the ATM protein. Deletions encompassing exons 62-63 of ATM have been reported in several individuals with ataxia-telangiectasia, some of whom were homozygous for this variant (PMID: 9443866,Â¬â€ 9792409,25614872). In addition, this variant has been observed in individuals with breast cancer (PMID:Â¬â€ 25428789, 26681312). This variant is also known as a deletion of exons 64-65 in the literature. A missense change in exon 63 (p.Arg3008Cys) and a deletion encompassing exon 63 have been determined to be pathogenic (PMID: 9872980, 12552566, 23807571). This suggests that exon 63 is critical for ATM protein function. For these reasons, this deletion has been classified as Pathogenic.

Literature cited by the submitters: PubMed 23807571; PubMed 9443866; PubMed 12552566; PubMed 9872980.